The following is an entry in ClinVar:

ClinVar aggregate classification (germline): Likely pathogenic. Review status: criteria provided, single submitter (1 of 4 stars). 2 submissions from 2 submitters: Likely pathogenic (1). 1 of the submissions does not count toward it. Last evaluated 2020-05-01.

Conditions:
Armfield syndrome (MRXSA). Identifiers: Orphanet 85276, MedGen C1846057, MONDO:0010284, OMIM 300261.
Intellectual disability. Also called: Intellectual developmental disorder; Intellectual functioning disability; intellectual disabilities. Identifiers: MedGen C3714756, MeSH D008607, MONDO:0001071, HP:0001249.

Submissions (2):

Greenwood Genetic Center Diagnostic Laboratories, Greenwood Genetic Center
Classification: Likely pathogenic for Intellectual disability. Last evaluated: 2020-05-01. Review status: criteria provided, single submitter. Criteria: ACMG Guidelines, 2015. Collection method: research. Allele origin: maternal. Inheritance: X-linked recessive inheritance. Affected: yes. Observed: 1 hemizygote.
Comment: PS3_downgraded to Moderate, PM2, PP1, PP2, PP3

OMIM
Classification: Pathogenic for INTELLECTUAL DEVELOPMENTAL DISORDER, X-LINKED, SYNDROMIC, ARMFIELD TYPE. Last evaluated: 2020-08-27. Review status: no assertion criteria provided. Collection method: literature only. Allele origin: germline. Not counted in ClinVar's aggregate classification.

Literature cited by the submitters: PubMed 10398235 (cited by OMIM); PubMed 32703943 (cited by OMIM).

NM_004699.4(FAM50A):c.764A>G (p.Asp255Gly)

Gene: FAM50A (family with sequence similarity 50 member A; plus strand). Cytogenetic location: Xq28.
Variant type: single nucleotide variant.
Coding change: c.764A>G on transcript NM_004699.4 (MANE Select); coding-DNA position 764, A replaced by G.
Protein change: p.Asp255Gly; replaces aspartic acid 255 with glycine.
Molecular consequence: missense variant.
Genome position (GRCh38, 1-based): chrX:154,449,719, A>G. VCF-style: chrX-154449719-A-G. GRCh37 (hg19) VCF-style: chrX-153678067-A-G.
Other names: short protein forms D255G.
Identifiers: ClinVar variation 872936 (VCV000872936.5), dbSNP rs2068797192, ClinGen allele CA415219433.